The following is an entry in ClinVar:

ClinVar aggregate classification (germline): Uncertain significance (1 of 4 stars; one submission).

Submission:

Labcorp Genetics (formerly Invitae), Labcorp
Classification: Uncertain significance. Last evaluated: 2024-12-16. Review status: criteria provided, single submitter. Criteria: Invitae Variant Classification Sherloc (09022015). Collection method: clinical testing. Allele origin: germline.
Comment: This sequence change affects the initiator methionine of the AXL mRNA. The next in-frame methionine is located at codon 8. This variant is not present in population databases (gnomAD no frequency). This variant has not been reported in the literature in individuals affected with AXL-related conditions. ClinVar contains an entry for this variant (Variation ID: 2808004). Experimental studies and prediction algorithms are not available or were not evaluated, and the functional significance of this variant is currently unknown. In summary, the available evidence is currently insufficient to determine the role of this variant in disease. Therefore, it has been classified as a Variant of Uncertain Significance.

NM_021913.5(AXL):c.2T>G (p.Met1Arg)

Gene: AXL (AXL receptor tyrosine kinase; plus strand). Cytogenetic location: 19q13.2.
Variant type: single nucleotide variant.
Coding change: c.2T>G on transcript NM_021913.5 (MANE Select); coding-DNA position 2, T replaced by G.
Protein change: p.Met1Arg; changes the start codon (methionine 1).
Molecular consequence: missense variant, initiator codon variant.
Genome position (GRCh38, 1-based): chr19:41,219,394, T>G. VCF-style: chr19-41219394-T-G. GRCh37 (hg19) VCF-style: chr19-41725299-T-G.
Other names: c.2T>G, p.Met1Arg (NM_001699.6); short protein forms M1R.
Identifiers: ClinVar variation 2808004 (VCV002808004.3), dbSNP rs2033742689, ClinGen allele CA405980059.